The following is an entry in ClinVar:

NM_006005.3(WFS1):c.1013_1014delinsAT (p.Ile338Asn)

Gene: WFS1 (wolframin ER transmembrane glycoprotein; plus strand). Cytogenetic location: 4p16.1.
Variant type: Indel.
Coding change: c.1013_1014delinsAT on transcript NM_006005.3 (MANE Select); coding-DNA positions 1013 to 1014, TC replaced by AT.
Protein change: p.Ile338Asn; replaces isoleucine 338 with asparagine.
Molecular consequence: missense variant.
Genome position (GRCh38, 1-based): chr4:6,300,808-6,300,809, TC replaced by AT. VCF-style: chr4-6300808-TC-AT. GRCh37 (hg19) VCF-style: chr4-6302535-TC-AT.
Other names: c.1013_1014delinsAT, p.Ile338Asn (NM_001145853.1); short protein forms I338N.
Identifiers: ClinVar variation 1404475 (VCV001404475.6), dbSNP rs2109125158, ClinGen allele CA2573138324.

ClinVar aggregate classification (germline): Uncertain significance (1 of 4 stars; one submission).

Submission:

Labcorp Genetics (formerly Invitae), Labcorp
Classification: Uncertain significance. Last evaluated: 2021-03-06. Review status: criteria provided, single submitter. Criteria: Invitae Variant Classification Sherloc (09022015). Collection method: clinical testing. Allele origin: germline.
Comment: This sequence change replaces isoleucine with asparagine at codon 338 of the WFS1 protein (p.Ile338Asn). The isoleucine residue is highly conserved and there is a large physicochemical difference between isoleucine and asparagine. The frequency data for this variant in the population databases is not available, as this variant may be reported as separate entries in the ExAC database. This variant has not been reported in the literature in individuals with WFS1-related conditions. Algorithms developed to predict the effect of missense changes on protein structure and function are either unavailable or do not agree on the potential impact of this missense change (SIFT: "Not Available"; PolyPhen-2: "Possibly Damaging"; Align-GVGD: "Not Available"). In summary, the available evidence is currently insufficient to determine the role of this variant in disease. Therefore, it has been classified as a Variant of Uncertain Significance.